The following is an entry in ClinVar:

NM_006059.4(LAMC3):c.3896C>T (p.Ala1299Val)

Gene: LAMC3 (laminin subunit gamma 3; plus strand). Cytogenetic location: 9q34.12.
Variant type: single nucleotide variant.
Coding change: c.3896C>T on transcript NM_006059.4 (MANE Select); coding-DNA position 3896, C replaced by T.
Protein change: p.Ala1299Val; replaces alanine 1299 with valine.
Molecular consequence: missense variant.
Genome position (GRCh38, 1-based): chr9:131,079,267, C>T. VCF-style: chr9-131079267-C-T. GRCh37 (hg19) VCF-style: chr9-133954654-C-T.
Other names: short protein forms A1299V.
Identifiers: ClinVar variation 1496507 (VCV001496507.8), dbSNP rs766329966, ClinGen allele CA5287970.

ClinVar aggregate classification (germline): Uncertain significance (1 of 4 stars; one submission).

Allele frequency attached by ClinVar (database versions not stated): ExAC 0.00001; gnomAD 0.00001; TOPMed 0.00001; gnomAD exomes 0.00002.
gnomAD v4.1: 40 of 1,614,188 alleles (0.0025%); highest among the groups gnomAD compares: East Asian, 0.045%; no homozygotes.

Submission:

Labcorp Genetics (formerly Invitae), Labcorp
Classification: Uncertain significance. Last evaluated: 2025-09-27. Review status: criteria provided, single submitter. Criteria: Invitae Variant Classification Sherloc (09022015). Collection method: clinical testing. Allele origin: germline.
Comment: This sequence change replaces alanine, which is neutral and non-polar, with valine, which is neutral and non-polar, at codon 1299 of the LAMC3 protein (p.Ala1299Val). This variant is present in population databases (rs766329966, gnomAD 0.006%). This variant has not been reported in the literature in individuals affected with LAMC3-related conditions. ClinVar contains an entry for this variant (Variation ID: 1496507). An algorithm developed to predict the effect of missense changes on protein structure and function outputs the following: PolyPhen-2: "Benign". The valine amino acid residue is found in multiple mammalian species, which suggests that this missense change does not adversely affect protein function. In summary, the available evidence is currently insufficient to determine the role of this variant in disease. Therefore, it has been classified as a Variant of Uncertain Significance.